The following is an entry in ClinVar:

NM_207118.3(GTF2H5):c.-35+6T>G

Gene: GTF2H5 (general transcription factor IIH subunit 5; plus strand). Cytogenetic location: 6q25.3.
Variant type: single nucleotide variant.
Coding change: c.-35+6T>G on transcript NM_207118.3 (MANE Select); 6 bases into the intron after 35 bases upstream of the start codon, T replaced by G.
Molecular consequence: intron variant.
Genome position (GRCh38, 1-based): chr6:158,168,401, T>G. VCF-style: chr6-158168401-T-G. GRCh37 (hg19) VCF-style: chr6-158589433-T-G.
Identifiers: ClinVar variation 235648 (VCV000235648.3), dbSNP rs878853085, ClinGen allele CA10581385.

ClinVar aggregate classification (germline): Uncertain significance (1 of 4 stars; one submission).

Allele frequency attached by ClinVar (database versions not stated): gnomAD 0.00001; TOPMed 0.00004.
gnomAD v4.1: 2 of 152,386 alleles (0.0013%); highest among the groups gnomAD compares: African/African-American, 0.0048%; no homozygotes.

Submission:

Center for Pediatric Genomic Medicine, Children's Mercy Hospital and Clinics
Classification: Uncertain significance. Last evaluated: 2015-08-26. Review status: criteria provided, single submitter. Criteria: ACMG Guidelines, 2015. Collection method: clinical testing. Allele origin: germline.
ClinVar note: Converted during submission from Uncertain Significance to Uncertain significance.